The following is an entry in ClinVar:

ClinVar aggregate classification (germline): Uncertain significance (1 of 4 stars; one submission).

Conditions:
Amyotrophic lateral sclerosis type 1 (ALS1). Also called: AMYOTROPHIC LATERAL SCLEROSIS 1, FAMILIAL. Identifiers: Orphanet 803, MedGen C1862939, MONDO:0007103, OMIM 105400.
Neuronopathy, distal hereditary motor, type 7B. Also called: NEURONOPATHY, DISTAL HEREDITARY MOTOR, AUTOSOMAL DOMINANT 14; NEURONOPATHY, DISTAL HEREDITARY MOTOR, HARDING TYPE VIIB; NEUROPATHY, DISTAL HEREDITARY MOTOR, HARDING TYPE VIIB; NEUROPATHY, DISTAL HEREDITARY MOTOR, WITH VOCAL CORD PARALYSIS, HARDING TYPE VIIB; Distal Hereditary Motor Neuronopathy Type 7B (dHMN7B); HMN VIIB. Identifiers: Orphanet 139589, MedGen C1843315, MONDO:0011879, OMIM 607641.
Perry syndrome. Also called: PARKINSONISM WITH ALVEOLAR HYPOVENTILATION AND MENTAL DEPRESSION. Identifiers: Orphanet 178509, MedGen C1868594, MONDO:0008201, OMIM 168605.

Submission:

Labcorp Genetics (formerly Invitae), Labcorp
Classification: Uncertain significance for Amyotrophic lateral sclerosis type 1; Neuronopathy, distal hereditary motor, type 7B; Perry syndrome. Last evaluated: 2025-12-13. Review status: criteria provided, single submitter. Criteria: Invitae Variant Classification Sherloc (09022015). Collection method: clinical testing. Allele origin: germline.
Comment: This sequence change replaces alanine, which is neutral and non-polar, with valine, which is neutral and non-polar, at codon 1028 of the DCTN1 protein (p.Ala1028Val). This variant is present in population databases (no rsID available, gnomAD 0.007%). This variant has not been reported in the literature in individuals affected with DCTN1-related conditions. Invitae Evidence Modeling of protein sequence and biophysical properties (such as structural, functional, and spatial information, amino acid conservation, physicochemical variation, residue mobility, and thermodynamic stability) indicates that this missense variant is not expected to disrupt DCTN1 protein function with a negative predictive value of 95%. In summary, the available evidence is currently insufficient to determine the role of this variant in disease. Therefore, it has been classified as a Variant of Uncertain Significance.

NM_004082.5(DCTN1):c.3083C>T (p.Ala1028Val)

Gene: DCTN1 (dynactin subunit 1; minus strand). Cytogenetic location: 2p13.1.
Variant type: single nucleotide variant.
Coding change: c.3083C>T on transcript NM_004082.5 (MANE Select); coding-DNA position 3083, C replaced by T.
Protein change: p.Ala1028Val; replaces alanine 1028 with valine.
Molecular consequence: missense variant. On other transcripts: non-coding transcript variant (1).
Genome position (GRCh38, 1-based): chr2:74,365,188, G>A on the plus strand (C>T on the coding strand, the complement: DCTN1 is on the minus strand). VCF-style: chr2-74365188-G-A. GRCh37 (hg19) VCF-style: chr2-74592315-G-A.
Other names: c.3023C>T, p.Ala1008Val (NM_001135040.3); c.2681C>T, p.Ala894Val (NM_001135041.3, NM_023019.4); c.2972C>T, p.Ala991Val (NM_001190836.2); c.3062C>T, p.Ala1021Val (NM_001190837.2); c.3032C>T, p.Ala1011Val (NM_001378991.1); c.3014C>T, p.Ala1005Val (NM_001378992.1); short protein forms A1005V, A1021V, A1011V, A1028V, A1008V, A894V, A991V.
Identifiers: ClinVar variation 4783533 (VCV004783533.1).
Genomic context (GRCh38, chr2:74,365,188, plus strand): 5'-AGTCCCTCAATCGTGCGTTTGGACTGGCTGTTCAGACGCTGCTTTAGTTCTGCCTTCTCT[G>A]CCTCCAGCTGGTCGATGTCAGCCTGGAGTGCATCCATTGTCTCCTCAAACTCTCTGTGAA-3'
Protein context (NP_004073.2, residues 1018-1038): ALQADIDQLE[Ala1028Val]EKAELKQRLN